The following is an entry in ClinVar:

ClinVar aggregate classification (germline): Benign/Likely benign. Review status: criteria provided, multiple submitters, no conflicts (2 of 4 stars). 12 submissions from 12 submitters: Benign (3); Likely benign (6). 3 of the submissions do not count toward it. Last evaluated 2026-09-01.

Conditions:
BTD-related disorder. Also called: BTD-related condition.
Biotinidase deficiency. Also called: Biotin deficiency; BTD deficiency; Late-onset biotin-responsive multiple carboxylase deficiency. Identifiers: Orphanet 79241, MedGen C0220754, MONDO:0009665, OMIM 253260.

Allele frequency attached by ClinVar (database versions not stated): 1000 Genomes Project 30x 0.01015; gnomAD 0.01107 and 0.01187; ExAC 0.00396; ESP Exome Variant Server 0.01338; TOPMed 0.01287; gnomAD exomes 0.00324; 1000 Genomes Project 0.01038.
gnomAD v4.1: 3,459 of 1,614,190 alleles (0.21%); highest among the groups gnomAD compares: African/African-American, 4%; 74 homozygotes.

Submissions (12):

CeGaT Center for Human Genetics Tuebingen
Classification: Likely benign. Last evaluated: 2026-09-01. Review status: criteria provided, single submitter. Criteria: CeGaT Center For Human Genetics Tuebingen Variant Classification Criteria Version 2. Collection method: clinical testing. Allele origin: germline. Affected: yes. Observed: 10 variant alleles.
Comment: BTD: BP4

Labcorp Genetics (formerly Invitae), Labcorp
Classification: Benign for Biotinidase deficiency. Last evaluated: 2026-02-01. Review status: criteria provided, single submitter. Criteria: Invitae Variant Classification Sherloc (09022015). Collection method: clinical testing. Allele origin: germline.

Genomic Medicine Center of Excellence, King Faisal Specialist Hospital and Research Centre
Classification: Benign for Biotinidase deficiency. Last evaluated: 2024-04-04. Review status: criteria provided, single submitter. Criteria: ACMG Guidelines, 2015. Collection method: clinical testing. Allele origin: germline.

Women's Health and Genetics/Laboratory Corporation of America, LabCorp
Classification: Benign. Last evaluated: 2022-05-17. Review status: criteria provided, single submitter. Criteria: LabCorp Variant Classification Summary - May 2015. Collection method: clinical testing. Allele origin: germline.
Comment: Variant summary: BTD c.820A>G (p.Ile274Val) results in a conservative amino acid change in the encoded protein sequence. Four of five in-silico tools predict a benign effect of the variant on protein function. The variant allele was found at a frequency of 0.0032 in 251404 control chromosomes, predominantly at a frequency of 0.042 within the African or African-American subpopulation in the gnomAD database, including 15 homozygotes. The observed variant frequency within African or African-American control individuals in the gnomAD database is approximately 9.2 fold of the estimated maximal expected allele frequency for a pathogenic variant in BTD causing Biotinidase Deficiency phenotype (0.0046), strongly suggesting that the variant is a benign polymorphism found primarily in populations of African or African-American origin. Eight clinical diagnostic laboratories have submitted clinical-significance assessments for this variant to ClinVar after 2014 without evidence for independent evaluation. All laboratories classified the variant as benign/likely benign. Based on the evidence outlined above, the variant was classified as benign.

Quest Diagnostics Nichols Institute San Juan Capistrano
Classification: Likely benign. Last evaluated: 2021-07-30. Review status: criteria provided, single submitter. Criteria: Quest Diagnostics criteria. Collection method: clinical testing. Allele origin: unknown.

Pars Genome Lab
Classification: Likely benign for Biotinidase deficiency. Last evaluated: 2021-05-18. Review status: criteria provided, single submitter. Criteria: ACMG Guidelines, 2015. Collection method: clinical testing. Allele origin: germline. Affected: no.

Mendelics
Classification: Likely benign for Biotinidase deficiency. Last evaluated: 2019-05-28. Review status: criteria provided, single submitter. Criteria: Mendelics Assertion Criteria 2017. Collection method: clinical testing. Allele origin: unknown.

Center for Pediatric Genomic Medicine, Children's Mercy Hospital and Clinics
Classification: Likely benign. Last evaluated: 2015-09-28. Review status: criteria provided, single submitter. Criteria: ACMG Guidelines, 2015. Collection method: clinical testing. Allele origin: germline.
ClinVar note: Converted during submission from Likely Benign to Likely benign.

Breakthrough Genomics
Classification: Likely benign. Review status: criteria provided, single submitter. Criteria: ACMG Guidelines, 2015. Collection method: not provided. Allele origin: germline. Inheritance: Autosomal recessive inheritance. Affected: yes.

PreventionGenetics, part of Exact Sciences
Classification: Likely benign for BTD-related condition. Last evaluated: 2023-02-20. Review status: no assertion criteria provided. Collection method: clinical testing. Allele origin: germline. Not counted in ClinVar's aggregate classification.
Comment: This variant is classified as likely benign based on ACMG/AMP sequence variant interpretation guidelines (Richards et al. 2015 PMID: 25741868, with internal and published modifications).

Natera, Inc.
Classification: Benign for Biotinidase deficiency. Last evaluated: 2019-10-30. Review status: no assertion criteria provided. Collection method: clinical testing. Allele origin: germline. Not counted in ClinVar's aggregate classification.

Counsyl
Classification: Likely benign for Biotinidase deficiency. Last evaluated: 2018-06-06. Review status: no assertion criteria provided. Collection method: clinical testing. Allele origin: unknown. Not counted in ClinVar's aggregate classification.

Literature cited by the submitters: PubMed 26990548 (cited by Quest Diagnostics Nichols Institute San Juan Capistrano); PubMed 26810761 (cited by Quest Diagnostics Nichols Institute San Juan Capistrano); PubMed 26334177 (cited by Quest Diagnostics Nichols Institute San Juan Capistrano).

NM_001370658.1(BTD):c.820A>G (p.Ile274Val)

Gene: BTD (biotinidase; plus strand). Cytogenetic location: 3p25.1.
Variant type: single nucleotide variant.
Coding change: c.820A>G on transcript NM_001370658.1 (MANE Select); coding-DNA position 820, A replaced by G.
Protein change: p.Ile274Val; replaces isoleucine 274 with valine.
Molecular consequence: missense variant. On other transcripts: intron variant (1).
Genome position (GRCh38, 1-based): chr3:15,644,736, A>G. VCF-style: chr3-15644736-A-G. GRCh37 (hg19) VCF-style: chr3-15686243-A-G.
Other names: c.880A>G, p.Ile294Val (NM_000060.4); c.820A>G, p.Ile274Val (NM_001281723.4, NM_001281724.3, NM_001281725.3 and 18 more transcripts); c.399+2679A>G (NM_001370753.1); short protein forms I274V.
Identifiers: ClinVar variation 25047 (VCV000025047.52), dbSNP rs35976361, ClinGen allele CA278270.